The following is an entry in ClinVar:

NM_002880.4(RAF1):c.559T>C (p.Trp187Arg)

Gene: RAF1 (Raf-1 proto-oncogene, serine/threonine kinase; minus strand). Cytogenetic location: 3p25.2.
Variant type: single nucleotide variant.
Coding change: c.559T>C on transcript NM_002880.4 (MANE Select); coding-DNA position 559, T replaced by C.
Protein change: p.Trp187Arg; replaces tryptophan 187 with arginine.
Molecular consequence: missense variant. On other transcripts: non-coding transcript variant (3).
Genome position (GRCh38, 1-based): chr3:12,608,788, A>G on the plus strand (T>C on the coding strand, the complement: RAF1 is on the minus strand). VCF-style: chr3-12608788-A-G. GRCh37 (hg19) VCF-style: chr3-12650287-A-G.
Other names: c.559T>C, p.Trp187Arg (NM_001354689.3, NM_001354690.3, NM_001354693.3); c.316T>C, p.Trp106Arg (NM_001354691.3, NM_001354692.3, NM_001354694.3 and 1 more transcripts); short protein forms W106R, W187R.
Identifiers: ClinVar variation 3429948 (VCV003429948.1).

ClinVar aggregate classification (germline): Uncertain significance (1 of 4 stars; one submission).

Conditions:
Cardiovascular phenotype. Identifiers: MedGen CN230736.

Submission:

Ambry Genetics
Classification: Uncertain significance for Cardiovascular phenotype. Last evaluated: 2024-12-05. Review status: criteria provided, single submitter. Criteria: Ambry Variant Classification Scheme 2023. Collection method: clinical testing. Allele origin: germline.
Comment: The p.W187R variant (also known as c.559T>C), located in coding exon 4 of the RAF1 gene, results from a T to C substitution at nucleotide position 559. The tryptophan at codon 187 is replaced by arginine, an amino acid with dissimilar properties. This amino acid position is well conserved in available vertebrate species. In addition, this alteration is predicted to be deleterious by in silico analysis. Based on the available evidence, the clinical significance of this variant remains unclear.